The following is an entry in ClinVar:

ClinVar aggregate classification (germline): Uncertain significance (1 of 4 stars; one submission).

Allele frequency attached by ClinVar (database versions not stated): gnomAD 0.00001.
gnomAD v4.1: 4 of 1,255,564 alleles (0.00032%); highest among the groups gnomAD compares: African/African-American, 0.0046%; no homozygotes.

Submission:

Labcorp Genetics (formerly Invitae), Labcorp
Classification: Uncertain significance. Last evaluated: 2025-07-29. Review status: criteria provided, single submitter. Criteria: Invitae Variant Classification Sherloc (09022015). Collection method: clinical testing. Allele origin: germline.
Comment: This sequence change replaces alanine, which is neutral and non-polar, with proline, which is neutral and non-polar, at codon 59 of the GATA5 protein (p.Ala59Pro). This variant is present in population databases (no rsID available, gnomAD 0.02%). This variant has not been reported in the literature in individuals affected with GATA5-related conditions. ClinVar contains an entry for this variant (Variation ID: 1378455). Invitae Evidence Modeling of protein sequence and biophysical properties (such as structural, functional, and spatial information, amino acid conservation, physicochemical variation, residue mobility, and thermodynamic stability) indicates that this missense variant is not expected to disrupt GATA5 protein function with a negative predictive value of 80%. In summary, the available evidence is currently insufficient to determine the role of this variant in disease. Therefore, it has been classified as a Variant of Uncertain Significance.

NM_080473.5(GATA5):c.175G>C (p.Ala59Pro)

Gene: GATA5 (GATA binding protein 5; minus strand). Cytogenetic location: 20q13.33.
Variant type: single nucleotide variant.
Coding change: c.175G>C on transcript NM_080473.5 (MANE Select); coding-DNA position 175, G replaced by C.
Protein change: p.Ala59Pro; replaces alanine 59 with proline.
Molecular consequence: missense variant.
Genome position (GRCh38, 1-based): chr20:62,475,347, C>G on the plus strand (G>C on the coding strand, the complement: GATA5 is on the minus strand). VCF-style: chr20-62475347-C-G. GRCh37 (hg19) VCF-style: chr20-61050403-C-G.
Other names: short protein forms A59P.
Identifiers: ClinVar variation 1378455 (VCV001378455.8), dbSNP rs1327408328, ClinGen allele CA409557564.